The following is an entry in ClinVar:

ClinVar aggregate classification (germline): Uncertain significance (1 of 4 stars; one submission).

Submission:

Labcorp Genetics (formerly Invitae), Labcorp
Classification: Uncertain significance. Last evaluated: 2023-03-13. Review status: criteria provided, single submitter. Criteria: Invitae Variant Classification Sherloc (09022015). Collection method: clinical testing. Allele origin: germline.
Comment: In summary, the available evidence is currently insufficient to determine the role of this variant in disease. Therefore, it has been classified as a Variant of Uncertain Significance. An algorithm developed to predict the effect of missense changes on protein structure and function (PolyPhen-2) suggests that this variant is likely to be disruptive. This variant has not been reported in the literature in individuals affected with EIF2AK1-related conditions. This variant is not present in population databases (gnomAD no frequency). This sequence change replaces glutamine, which is neutral and polar, with histidine, which is basic and polar, at codon 600 of the EIF2AK1 protein (p.Gln600His).

NM_014413.4(EIF2AK1):c.1800A>T (p.Gln600His)

Gene: EIF2AK1 (eukaryotic translation initiation factor 2 alpha kinase 1; minus strand). Cytogenetic location: 7p22.1.
Variant type: single nucleotide variant.
Coding change: c.1800A>T on transcript NM_014413.4 (MANE Select); coding-DNA position 1800, A replaced by T.
Protein change: p.Gln600His; replaces glutamine 600 with histidine.
Molecular consequence: missense variant.
Genome position (GRCh38, 1-based): chr7:6,024,766, T>A on the plus strand (A>T on the coding strand, the complement: EIF2AK1 is on the minus strand). VCF-style: chr7-6024766-T-A. GRCh37 (hg19) VCF-style: chr7-6064397-T-A.
Other names: c.1797A>T, p.Gln599His (NM_001134335.2); short protein forms Q599H, Q600H.
Identifiers: ClinVar variation 2817188 (VCV002817188.3), dbSNP rs1787690452, ClinGen allele CA366748768.